The following is an entry in ClinVar:

NM_138477.4(CDAN1):c.3205-3C>G

Gene: CDAN1 (codanin 1; minus strand). Cytogenetic location: 15q15.2.
Variant type: single nucleotide variant.
Coding change: c.3205-3C>G on transcript NM_138477.4 (MANE Select); 3 bases into the intron before coding-DNA position 3205, C replaced by G.
Molecular consequence: intron variant.
Genome position (GRCh38, 1-based): chr15:42,726,163, G>C on the plus strand (C>G on the coding strand, the complement: CDAN1 is on the minus strand). VCF-style: chr15-42726163-G-C. GRCh37 (hg19) VCF-style: chr15-43018361-G-C.
Identifiers: ClinVar variation 3683112 (VCV003683112.2).

ClinVar aggregate classification (germline): Uncertain significance (1 of 4 stars; one submission).

gnomAD v4.1: 3 of 1,614,148 alleles (0.00019%); highest among the groups gnomAD compares: Admixed American, 0.005%; no homozygotes.

Submission:

Labcorp Genetics (formerly Invitae), Labcorp
Classification: Uncertain significance. Last evaluated: 2024-03-12. Review status: criteria provided, single submitter. Criteria: Invitae Variant Classification Sherloc (09022015). Collection method: clinical testing. Allele origin: germline.
Comment: This sequence change falls in intron 24 of the CDAN1 gene. It does not directly change the encoded amino acid sequence of the CDAN1 protein. It affects a nucleotide within the consensus splice site. This variant is present in population databases (rs760831544, gnomAD 0.006%). This variant has not been reported in the literature in individuals affected with CDAN1-related conditions. Variants that disrupt the consensus splice site are a relatively common cause of aberrant splicing (PMID: 17576681, 9536098). Algorithms developed to predict the effect of sequence changes on RNA splicing suggest that this variant may disrupt the consensus splice site. In summary, the available evidence is currently insufficient to determine the role of this variant in disease. Therefore, it has been classified as a Variant of Uncertain Significance.

Literature cited by the submitters: PubMed 17576681; PubMed 9536098.